The following is an entry in ClinVar:

ClinVar aggregate classification (germline): Uncertain significance (1 of 4 stars; one submission).

gnomAD v4.1: 1 of 1,614,146 alleles (0.000062%); highest among the groups gnomAD compares: African/African-American, 0.0013%; no homozygotes.

Submission:

Labcorp Genetics (formerly Invitae), Labcorp
Classification: Uncertain significance. Last evaluated: 2023-06-09. Review status: criteria provided, single submitter. Criteria: Invitae Variant Classification Sherloc (09022015). Collection method: clinical testing. Allele origin: germline.
Comment: This sequence change replaces threonine, which is neutral and polar, with asparagine, which is neutral and polar, at codon 573 of the ATP1A1 protein (p.Thr573Asn). This variant is not present in population databases (gnomAD no frequency). This variant has not been reported in the literature in individuals affected with ATP1A1-related conditions. Advanced modeling of protein sequence and biophysical properties (such as structural, functional, and spatial information, amino acid conservation, physicochemical variation, residue mobility, and thermodynamic stability) performed at Invitae indicates that this missense variant is not expected to disrupt ATP1A1 protein function. In summary, the available evidence is currently insufficient to determine the role of this variant in disease. Therefore, it has been classified as a Variant of Uncertain Significance.

NM_000701.8(ATP1A1):c.1718C>A (p.Thr573Asn)

Genes: ATP1A1 (ATPase Na+/K+ transporting subunit alpha 1; plus strand), ATP1A1-AS1 (ATP1A1 antisense RNA 1; minus strand). Cytogenetic location: 1p13.1.
Variant type: single nucleotide variant.
Coding change: c.1718C>A on transcript NM_000701.8 (MANE Select); coding-DNA position 1718, C replaced by A.
Protein change: p.Thr573Asn; replaces threonine 573 with asparagine.
Molecular consequence: missense variant.
Genome position (GRCh38, 1-based): chr1:116,395,167, C>A. VCF-style: chr1-116395167-C-A. GRCh37 (hg19) VCF-style: chr1-116937789-C-A.
Other names: c.1718C>A, p.Thr573Asn (NM_001160233.2); c.1625C>A, p.Thr542Asn (NM_001160234.2); short protein forms T542N, T573N.
Identifiers: ClinVar variation 2988730 (VCV002988730.3), dbSNP rs1652804659, ClinGen allele CA341771459.